The following is an entry in ClinVar:

NM_205836.3(FBXO38):c.2818C>G (p.Leu940Val)

Gene: FBXO38 (F-box protein 38; plus strand). Cytogenetic location: 5q32.
Variant type: single nucleotide variant.
Coding change: c.2818C>G on transcript NM_205836.3 (MANE Select); coding-DNA position 2818, C replaced by G.
Protein change: p.Leu940Val; replaces leucine 940 with valine.
Molecular consequence: missense variant.
Genome position (GRCh38, 1-based): chr5:148,433,698, C>G. VCF-style: chr5-148433698-C-G. GRCh37 (hg19) VCF-style: chr5-147813261-C-G.
Other names: c.2083C>G, p.Leu695Val (NM_001271723.2); c.2593C>G, p.Leu865Val (NM_030793.5); short protein forms L865V, L695V, L940V.
Identifiers: ClinVar variation 647779 (VCV000647779.11), dbSNP rs1347172293, ClinGen allele CA361659805.
Genomic context (GRCh38, chr5:148,433,698, plus strand): 5'-CTTGTATTAAAATCCAAGAATCTTGTTGGAGTCACTATGACCAATTGTGGAATCACAGAT[C>G]TAGTGCTAAAAGACTGTCCAAAGATGATGTTCATCCATGGTATGTATTTGGGCCCATATT-3'
Protein context (NP_995308.1, residues 930-950): VTMTNCGITD[Leu940Val]VLKDCPKMMF

ClinVar aggregate classification (germline): Uncertain significance. Review status: criteria provided, multiple submitters, no conflicts (2 of 4 stars). 2 submissions from 2 submitters: Uncertain significance (2). Last evaluated 2025-06-04.

Conditions:
FBXO38-related disorder. Also called: FBXO38-related condition.
Distal hereditary motor neuropathy type 2. Identifiers: Orphanet 139525, MedGen C3711384, MeSH C580044, MONDO:0015352.

Allele frequency attached by ClinVar (database versions not stated): TOPMed 0.00002.
gnomAD v4.1: 6 of 1,611,670 alleles (0.00037%); highest among the groups gnomAD compares: Non-Finnish European, 0.00051%; no homozygotes.

Submissions (2):

PreventionGenetics, part of Exact Sciences
Classification: Uncertain significance for FBXO38-related condition. Last evaluated: 2025-06-04. Review status: criteria provided, single submitter. Criteria: ACMG Guidelines, 2015. Collection method: clinical testing. Allele origin: germline.
Comment: The FBXO38 c.2593C>G variant is predicted to result in the amino acid substitution p.Leu865Val. To our knowledge, this variant has not been reported in the literature or in a large population database (gnomAD), indicating this variant is rare. At this time, the clinical significance of this variant is uncertain due to the absence of conclusive functional and genetic evidence.

Labcorp Genetics (formerly Invitae), Labcorp
Classification: Uncertain significance for Distal hereditary motor neuropathy type 2. Last evaluated: 2024-03-12. Review status: criteria provided, single submitter. Criteria: Invitae Variant Classification Sherloc (09022015). Collection method: clinical testing. Allele origin: germline.
Comment: This sequence change replaces leucine, which is neutral and non-polar, with valine, which is neutral and non-polar, at codon 865 of the FBXO38 protein (p.Leu865Val). This variant is not present in population databases (gnomAD no frequency). This variant has not been reported in the literature in individuals affected with FBXO38-related conditions. ClinVar contains an entry for this variant (Variation ID: 647779). An algorithm developed to predict the effect of missense changes on protein structure and function (PolyPhen-2) suggests that this variant is likely to be disruptive. In summary, the available evidence is currently insufficient to determine the role of this variant in disease. Therefore, it has been classified as a Variant of Uncertain Significance.